The following is an entry in ClinVar:

NM_198578.4(LRRK2):c.6572C>G (p.Ser2191Cys)

Gene: LRRK2 (leucine rich repeat kinase 2; plus strand). Cytogenetic location: 12q12.
Variant type: single nucleotide variant.
Coding change: c.6572C>G on transcript NM_198578.4 (MANE Select); coding-DNA position 6572, C replaced by G.
Protein change: p.Ser2191Cys; replaces serine 2191 with cysteine.
Molecular consequence: missense variant.
Genome position (GRCh38, 1-based): chr12:40,351,729, C>G. VCF-style: chr12-40351729-C-G. GRCh37 (hg19) VCF-style: chr12-40745531-C-G.
Other names: short protein forms S2191C.
Identifiers: ClinVar variation 1754253 (VCV001754253.2), dbSNP rs2499982530, ClinGen allele CA384407634.
Genomic context (GRCh38, chr12:40,351,729, plus strand): 5'-GTGGGCACACCGACAGAGGACAGCTCTCATTTCTTGACTTAAATACTGAAGGATACACTT[C>G]TGAGGTAAATCCAAATGCTCTTTAAATCTTTCATAATTTAAAGCATATACCATTTGGAAA-3'
Protein context (NP_940980.4, residues 2181-2201): FLDLNTEGYT[Ser2191Cys]EEVADSRILC

ClinVar aggregate classification (germline): Uncertain significance (1 of 4 stars; one submission).

Conditions:
Inborn genetic diseases. Identifiers: MedGen C0950123, MeSH D030342.

Submission:

Ambry Genetics
Classification: Uncertain significance for Inborn genetic diseases. Last evaluated: 2022-09-04. Review status: criteria provided, single submitter. Criteria: Ambry Variant Classification Scheme 2023. Collection method: clinical testing. Allele origin: germline.
Comment: The p.S2191C variant (also known as c.6572C>G), located in coding exon 44 of the LRRK2 gene, results from a C to G substitution at nucleotide position 6572. The serine at codon 2191 is replaced by cysteine, an amino acid with dissimilar properties. This amino acid position is conserved. In addition, this alteration is predicted to be tolerated by in silico analysis. Since supporting evidence is limited at this time, the clinical significance of this alteration remains unclear.